The following is an entry in ClinVar:

NM_020376.4(PNPLA2):c.781T>C (p.Leu261=)

Gene: PNPLA2 (patatin like domain 2, triacylglycerol lipase; plus strand). Cytogenetic location: 11p15.5.
Variant type: single nucleotide variant.
Coding change: c.781T>C on transcript NM_020376.4 (MANE Select); coding-DNA position 781, T replaced by C.
Protein change: p.Leu261=; no amino-acid change (leucine 261 retained).
Molecular consequence: synonymous variant.
Genome position (GRCh38, 1-based): chr11:823,717, T>C. VCF-style: chr11-823717-T-C. GRCh37 (hg19) VCF-style: chr11-823717-T-C.
Identifiers: ClinVar variation 306300 (VCV000306300.16), dbSNP rs758918583, ClinGen allele CA5791179.

ClinVar aggregate classification (germline): Conflicting classifications of pathogenicity. Review status: criteria provided, conflicting classifications (1 of 4 stars). 3 submissions from 3 submitters: Uncertain significance (1); Likely benign (1). 1 of the submissions does not count toward it. Last evaluated 2025-12-04.

Conditions:
PNPLA2-related disorder. Also called: PNPLA2-related condition.
Neutral lipid storage myopathy (NLSDM). Also called: NEUTRAL LIPID STORAGE DISEASE WITHOUT ICHTHYOSIS. Identifiers: Orphanet 98908, MedGen C1853136, MONDO:0012545, OMIM 610717.

Allele frequency attached by ClinVar (database versions not stated): gnomAD 0.00001; gnomAD exomes 0.00002 and 0.00007; ExAC 0.00014.
gnomAD v4.1: 26 of 1,604,798 alleles (0.0016%); highest among the groups gnomAD compares: Admixed American, 0.039%; no homozygotes.

Submissions (3):

Labcorp Genetics (formerly Invitae), Labcorp
Classification: Likely benign for Neutral lipid storage myopathy. Last evaluated: 2025-12-04. Review status: criteria provided, single submitter. Criteria: Invitae Variant Classification Sherloc (09022015). Collection method: clinical testing. Allele origin: germline.

Illumina Laboratory Services, Illumina
Classification: Uncertain significance for Neutral lipid storage myopathy. Last evaluated: 2018-01-13. Review status: criteria provided, single submitter. Criteria: ICSL Variant Classification Criteria 13 December 2019. Collection method: clinical testing. Allele origin: germline.

PreventionGenetics, part of Exact Sciences
Classification: Likely benign for PNPLA2-related condition. Last evaluated: 2022-04-06. Review status: no assertion criteria provided. Collection method: clinical testing. Allele origin: germline. Not counted in ClinVar's aggregate classification.
Comment: This variant is classified as likely benign based on ACMG/AMP sequence variant interpretation guidelines (Richards et al. 2015 PMID: 25741868, with internal and published modifications).